The following is an entry in ClinVar:

ClinVar aggregate classification (germline): Conflicting classifications of pathogenicity. Review status: criteria provided, conflicting classifications (1 of 4 stars). 2 submissions from 2 submitters: Uncertain significance (1); Likely benign (1). Last evaluated 2024-10-28.

Conditions:
Immunodeficiency, common variable, 12 (CVID12). Also called: IMMUNODEFICIENCY, COMMON VARIABLE, 12, WITH AUTOIMMUNITY; NFKB1 DEFICIENCY. Identifiers: Orphanet 1572, Orphanet 696874, MedGen C4225277, MONDO:0014697, OMIM 616576.

Allele frequency attached by ClinVar (database versions not stated): ExAC 0.00001; gnomAD exomes 0.00001.
gnomAD v4.1: 8 of 1,585,896 alleles (0.0005%); highest among the groups gnomAD compares: Non-Finnish European, 0.0006%; no homozygotes.

Submissions (2):

Labcorp Genetics (formerly Invitae), Labcorp
Classification: Likely benign. Last evaluated: 2024-10-28. Review status: criteria provided, single submitter. Criteria: Invitae Variant Classification Sherloc (09022015). Collection method: clinical testing. Allele origin: germline.

Laboratorio de Genetica e Diagnostico Molecular, Hospital Israelita Albert Einstein
Classification: Uncertain significance for Immunodeficiency, common variable, 12. Last evaluated: 2024-04-12. Review status: criteria provided, single submitter. Criteria: ACMG Guidelines, 2015. Collection method: clinical testing. Allele origin: germline. Affected: yes.
Comment: ACMG classification criteria: PM2 supporting, BP4 supporting

NM_003998.4(NFKB1):c.928-9A>T

Gene: NFKB1 (nuclear factor kappa B subunit 1; plus strand). Cytogenetic location: 4q24.
Variant type: single nucleotide variant.
Coding change: c.928-9A>T on transcript NM_003998.4 (MANE Select); 9 bases into the intron before coding-DNA position 928, A replaced by T.
Molecular consequence: intron variant.
Genome position (GRCh38, 1-based): chr4:102,584,673, A>T. VCF-style: chr4-102584673-A-T. GRCh37 (hg19) VCF-style: chr4-103505830-A-T.
Other names: c.928-9A>T (NM_001382626.1, NM_001382625.1); c.925-9A>T (NM_001382627.1, NM_001165412.2, NM_001319226.2); c.886-9A>T (NM_001382628.1).
Identifiers: ClinVar variation 2994170 (VCV002994170.4), dbSNP rs748763015, ClinGen allele CA3026024.